The following is an entry in ClinVar:

NM_014874.4(MFN2):c.1588T>C (p.Cys530Arg)

Gene: MFN2 (mitofusin 2; plus strand). Cytogenetic location: 1p36.22.
Variant type: single nucleotide variant.
Coding change: c.1588T>C on transcript NM_014874.4 (MANE Select); coding-DNA position 1588, T replaced by C.
Protein change: p.Cys530Arg; replaces cysteine 530 with arginine.
Molecular consequence: missense variant.
Genome position (GRCh38, 1-based): chr1:12,005,803, T>C. VCF-style: chr1-12005803-T-C. GRCh37 (hg19) VCF-style: chr1-12065860-T-C.
Other names: c.1588T>C, p.Cys530Arg (NM_001127660.2); short protein forms C530R.
Identifiers: ClinVar variation 1714462 (VCV001714462.6), dbSNP rs2523087707, ClinGen allele CA338448010.

ClinVar aggregate classification (germline): Uncertain significance. Review status: criteria provided, multiple submitters, no conflicts (2 of 4 stars). 2 submissions from 2 submitters: Uncertain significance (2). Last evaluated 2024-08-23.

Conditions:
Charcot-Marie-Tooth disease type 2. Also called: Charcot-Marie-Tooth type 2. Identifiers: Orphanet 64746, MedGen C0270914, MONDO:0018993.

Allele frequency attached by ClinVar (database versions not stated): gnomAD exomes below 0.00001.

Submissions (2):

GeneDx
Classification: Uncertain significance. Last evaluated: 2024-08-23. Review status: criteria provided, single submitter. Criteria: GeneDx Variant Classification Process June 2021. Collection method: clinical testing. Allele origin: germline. Affected: yes.
Comment: Not observed at significant frequency in large population cohorts (gnomAD); In silico analysis supports that this missense variant has a deleterious effect on protein structure/function; Has not been previously published as pathogenic or benign to our knowledge

Labcorp Genetics (formerly Invitae), Labcorp
Classification: Uncertain significance for Charcot-Marie-Tooth disease type 2. Last evaluated: 2022-07-15. Review status: criteria provided, single submitter. Criteria: Invitae Variant Classification Sherloc (09022015). Collection method: clinical testing. Allele origin: germline.
Comment: In summary, the available evidence is currently insufficient to determine the role of this variant in disease. Therefore, it has been classified as a Variant of Uncertain Significance. Advanced modeling of protein sequence and biophysical properties (such as structural, functional, and spatial information, amino acid conservation, physicochemical variation, residue mobility, and thermodynamic stability) performed at Invitae indicates that this missense variant is expected to disrupt MFN2 protein function. This variant has not been reported in the literature in individuals affected with MFN2-related conditions. This variant is not present in population databases (gnomAD no frequency). This sequence change replaces cysteine, which is neutral and slightly polar, with arginine, which is basic and polar, at codon 530 of the MFN2 protein (p.Cys530Arg).